The following is an entry in ClinVar:

ClinVar aggregate classification (germline): Conflicting classifications of pathogenicity. Review status: criteria provided, conflicting classifications (1 of 4 stars). 2 submissions from 2 submitters: Uncertain significance (1); Likely benign (1). Last evaluated 2024-12-17.

Allele frequency attached by ClinVar (database versions not stated): gnomAD exomes 0.00001 and 0.00003; ExAC 0.00006; gnomAD 0.00012; TOPMed 0.00015; 1000 Genomes Project 0.00020; 1000 Genomes Project 30x 0.00031; ESP Exome Variant Server 0.00038.
gnomAD v4.1: 34 of 1,608,220 alleles (0.0021%); highest among the groups gnomAD compares: African/African-American, 0.045%; no homozygotes.

Submissions (2):

Labcorp Genetics (formerly Invitae), Labcorp
Classification: Likely benign. Last evaluated: 2024-12-17. Review status: criteria provided, single submitter. Criteria: Invitae Variant Classification Sherloc (09022015). Collection method: clinical testing. Allele origin: germline.

GeneDx
Classification: Uncertain significance. Last evaluated: 2021-06-11. Review status: criteria provided, single submitter. Criteria: GeneDx Variant Classification Process June 2021. Collection method: clinical testing. Allele origin: germline. Affected: yes.
Comment: Has not been previously published as pathogenic or benign to our knowledge; In-silico analysis, which includes splice predictors and evolutionary conservation, is inconclusive as to whether the variant alters gene splicing. In the absence of RNA/functional studies, the actual effect of this sequence change is unknown.; This variant is associated with the following publications: (PMID: 27535533)

NM_052867.4(NALCN):c.4906-10T>G

Genes: NALCN (sodium leak channel, non-selective; minus strand), NALCN-AS1 (NALCN antisense RNA 1; plus strand). Cytogenetic location: 13q32.3.
Variant type: single nucleotide variant.
Coding change: c.4906-10T>G on transcript NM_052867.4 (MANE Select); 10 bases into the intron before coding-DNA position 4906, T replaced by G.
Molecular consequence: intron variant. On other transcripts: non-coding transcript variant (1).
Genome position (GRCh38, 1-based): chr13:101,058,066, A>C on the plus strand (T>G on the coding strand, the complement: NALCN is on the minus strand). VCF-style: chr13-101058066-A-C. GRCh37 (hg19) VCF-style: chr13-101710418-A-C.
Other names: c.4819-10T>G (NM_001350751.2, NM_001350750.2); c.4906-10T>G (NM_001350749.2); c.4993-10T>G (NM_001350748.2).
Identifiers: ClinVar variation 1327769 (VCV001327769.4), dbSNP rs376470327, ClinGen allele CA7034976.